The following is an entry in ClinVar:

NM_001711.6(BGN):c.776G>A (p.Gly259Asp)

Gene: BGN (biglycan; plus strand). Cytogenetic location: Xq28.
Variant type: single nucleotide variant.
Coding change: c.776G>A on transcript NM_001711.6 (MANE Select); coding-DNA position 776, G replaced by A.
Protein change: p.Gly259Asp; replaces glycine 259 with aspartic acid.
Molecular consequence: missense variant.
Genome position (GRCh38, 1-based): chrX:153,507,052, G>A. VCF-style: chrX-153507052-G-A. GRCh37 (hg19) VCF-style: chrX-152772510-G-A.
Other names: short protein forms G259D.
Identifiers: ClinVar variation 1061640 (VCV001061640.9), dbSNP rs879255605, ClinGen allele CA415071315.

ClinVar aggregate classification (germline): Uncertain significance (1 of 4 stars; one submission).

Submission:

Labcorp Genetics (formerly Invitae), Labcorp
Classification: Uncertain significance. Last evaluated: 2025-09-24. Review status: criteria provided, single submitter. Criteria: Invitae Variant Classification Sherloc (09022015). Collection method: clinical testing. Allele origin: germline.
Comment: This sequence change replaces glycine, which is neutral and non-polar, with aspartic acid, which is acidic and polar, at codon 259 of the BGN protein (p.Gly259Asp). This variant is not present in population databases (gnomAD no frequency). This variant has not been reported in the literature in individuals affected with BGN-related conditions. ClinVar contains an entry for this variant (Variation ID: 1061640). Invitae Evidence Modeling of protein sequence and biophysical properties (such as structural, functional, and spatial information, amino acid conservation, physicochemical variation, residue mobility, and thermodynamic stability) indicates that this missense variant is not expected to disrupt BGN protein function with a negative predictive value of 80%. In summary, the available evidence is currently insufficient to determine the role of this variant in disease. Therefore, it has been classified as a Variant of Uncertain Significance.